The following is an entry in ClinVar:

ClinVar aggregate classification (germline): Conflicting classifications of pathogenicity. Review status: criteria provided, conflicting classifications (1 of 4 stars). 3 submissions from 3 submitters: Uncertain significance (2); Likely benign (1). Last evaluated 2023-03-23.

Conditions:
Hereditary cancer-predisposing syndrome. Also called: Neoplastic Syndromes, Hereditary; Tumor predisposition; Hereditary neoplastic syndrome; Hereditary Cancer Syndrome. Identifiers: Orphanet 140162, MedGen C0027672, MeSH D009386, MONDO:0015356.

gnomAD v4.1: 1 of 1,611,806 alleles (0.000062%); highest among the groups gnomAD compares: South Asian, 0.0011%; no homozygotes.

Submissions (3):

University of Washington Department of Laboratory Medicine, University of Washington
Classification: Likely benign for Hereditary cancer-predisposing syndrome. Last evaluated: 2023-03-23. Review status: criteria provided, single submitter. Criteria: Dines et al. (Genet Med. 2020). Collection method: curation. Allele origin: germline.
Comment: Missense variant in a coldspot region where missense variants are very unlikely to be pathogenic (PMID:31911673).

BRCA2 exon 11 coldspot. Reclassification based on statistical prior probability.

Color Diagnostics, LLC DBA Color Health
Classification: Uncertain significance for Hereditary cancer-predisposing syndrome. Last evaluated: 2019-06-05. Review status: criteria provided, single submitter. Criteria: ACMG Guidelines, 2015. Collection method: clinical testing. Allele origin: germline.

Ambry Genetics
Classification: Uncertain significance for Hereditary cancer-predisposing syndrome. Last evaluated: 2019-04-26. Review status: criteria provided, single submitter. Criteria: Ambry Variant Classification Scheme 2023. Collection method: clinical testing. Allele origin: germline.
Comment: The p.Q969K variant (also known as c.2905C>A), located in coding exon 10 of the BRCA2 gene, results from a C to A substitution at nucleotide position 2905. The glutamine at codon 969 is replaced by lysine, an amino acid with similar properties. This amino acid position is not well conserved in available vertebrate species. In addition, this alteration is predicted to be tolerated by in silico analysis. Since supporting evidence is limited at this time, the clinical significance of this alteration remains unclear.

NM_000059.4(BRCA2):c.2905C>A (p.Gln969Lys)

Gene: BRCA2 (BRCA2 DNA repair associated; plus strand). Cytogenetic location: 13q13.1.
Variant type: single nucleotide variant.
Coding change: c.2905C>A on transcript NM_000059.4 (MANE Select); coding-DNA position 2905, C replaced by A.
Protein change: p.Gln969Lys; replaces glutamine 969 with lysine.
Molecular consequence: missense variant.
Genome position (GRCh38, 1-based): chr13:32,337,260, C>A. VCF-style: chr13-32337260-C-A. GRCh37 (hg19) VCF-style: chr13-32911397-C-A.
Other names: short protein forms Q969K.
Identifiers: ClinVar variation 628403 (VCV000628403.9), dbSNP rs886038080, ClinGen allele CA387774176.